The following is an entry in ClinVar:

NM_003072.5(SMARCA4):c.2932C>T (p.Arg978Ter)

Gene: SMARCA4 (SWI/SNF related BAF chromatin remodeling complex subunit ATPase 4; plus strand). Cytogenetic location: 19p13.2.
Variant type: single nucleotide variant.
Coding change: c.2932C>T on transcript NM_003072.5 (MANE Select); coding-DNA position 2932, C replaced by T.
Protein change: p.Arg978Ter; replaces arginine 978 with a stop codon.
Molecular consequence: nonsense. On other transcripts: non-coding transcript variant (1).
Genome position (GRCh38, 1-based): chr19:11,023,590, C>T. VCF-style: chr19-11023590-C-T. GRCh37 (hg19) VCF-style: chr19-11134266-C-T.
Other names: c.2932C>T, p.Arg978Ter (NM_001128844.3, NM_001128845.2, NM_001128846.2 and 5 more transcripts); short protein forms R978*.
Identifiers: ClinVar variation 639395 (VCV000639395.16), dbSNP rs1064796254, ClinGen allele CA404057617.

ClinVar aggregate classification (germline): Pathogenic. Review status: criteria provided, multiple submitters, no conflicts (2 of 4 stars). 4 submissions from 4 submitters: Pathogenic (4). Last evaluated 2026-05-08.

Conditions:
Rhabdoid tumor predisposition syndrome 2 (RTPS2). Identifiers: Orphanet 231108, Orphanet 69077, MedGen C2750074, MONDO:0013224, OMIM 613325.
Hereditary cancer-predisposing syndrome. Also called: Hereditary Cancer Syndrome; Hereditary neoplastic syndrome; Neoplastic Syndromes, Hereditary; Tumor predisposition. Identifiers: Orphanet 140162, MedGen C0027672, MeSH D009386, MONDO:0015356.

Submissions (4):

Myriad Genetics, Inc.
Classification: Pathogenic for Rhabdoid tumor predisposition syndrome 2. Last evaluated: 2026-05-08. Review status: criteria provided, single submitter. Criteria: Myriad Autosomal Dominant, Autosomal Recessive and X-Linked Classification Criteria (2023). Collection method: clinical testing. Allele origin: unknown.
Comment: This variant is considered pathogenic. This variant creates a termination codon and is predicted to result in premature protein truncation.

Ambry Genetics
Classification: Pathogenic for Hereditary cancer-predisposing syndrome. Last evaluated: 2025-02-04. Review status: criteria provided, single submitter. Criteria: Ambry Variant Classification Scheme 2023. Collection method: clinical testing. Allele origin: germline.
Comment: The p.R978* pathogenic mutation (also known as c.2932C>T), located in coding exon 19 of the SMARCA4 gene, results from a C to T substitution at nucleotide position 2932. This changes the amino acid from an arginine to a stop codon within coding exon 19. This variant is considered to be rare based on population cohorts in the Genome Aggregation Database (gnomAD). This alteration is expected to result in loss of function by premature protein truncation or nonsense-mediated mRNA decay. Loss-of-function variants in SMARCA4 are known to cause rhabdoid tumor predisposition syndrome including small cell carcinoma of the ovary-hypercalcemic type (SCCOHT); however, such associations with neurodevelopmental disorders are exceedingly rare (Kosho T et al. Am J Med Genet C Semin Med Genet. 2014 Sep;166C(3):262-75; Jelinic P et al. Nat Genet. 2014 May;46(5):424-6). Based on the supporting evidence, this alteration is pathogenic for rhabdoid tumor predisposition syndrome; however, the association of this alteration with Coffin-Siris syndrome is unlikely.

Labcorp Genetics (formerly Invitae), Labcorp
Classification: Pathogenic for Rhabdoid tumor predisposition syndrome 2. Last evaluated: 2024-12-12. Review status: criteria provided, single submitter. Criteria: Invitae Variant Classification Sherloc (09022015). Collection method: clinical testing. Allele origin: germline.
Comment: This sequence change creates a premature translational stop signal (p.Arg978*) in the SMARCA4 gene. It is expected to result in an absent or disrupted protein product. Loss-of-function variants in SMARCA4 are known to be pathogenic (PMID: 24658001, 24658002). This variant is not present in population databases (gnomAD no frequency). This premature translational stop signal has been observed in individual(s) with small cell carcinoma of the ovary (PMID: 24658002). ClinVar contains an entry for this variant (Variation ID: 639395). For these reasons, this variant has been classified as Pathogenic.

Baylor Genetics
Classification: Pathogenic for Rhabdoid tumor predisposition syndrome 2. Last evaluated: 2022-12-01. Review status: criteria provided, single submitter. Criteria: ACMG Guidelines, 2015. Collection method: clinical testing. Allele origin: unknown.

Literature cited by the submitters: PubMed 24658001 (cited by Labcorp Genetics (formerly Invitae), Labcorp); PubMed 24658002 (cited by Labcorp Genetics (formerly Invitae), Labcorp).